The following is an entry in ClinVar:

NM_005751.5(AKAP9):c.11231G>A (p.Gly3744Glu)

Gene: AKAP9 (A-kinase anchoring protein 9; plus strand). Cytogenetic location: 7q21.2.
Variant type: single nucleotide variant.
Coding change: c.11231G>A on transcript NM_005751.5 (MANE Select); coding-DNA position 11231, G replaced by A.
Protein change: p.Gly3744Glu; replaces glycine 3744 with glutamic acid.
Molecular consequence: missense variant.
Genome position (GRCh38, 1-based): chr7:92,102,727, G>A. VCF-style: chr7-92102727-G-A. GRCh37 (hg19) VCF-style: chr7-91732041-G-A.
Other names: c.5876G>A, p.Gly1959Glu (NM_001379277.1); c.11207G>A, p.Gly3736Glu (NM_147185.3); short protein forms G3736E, G3744E, G1959E.
Identifiers: ClinVar variation 2449744 (VCV002449744.4), dbSNP rs148318643, ClinGen allele CA4338120.

ClinVar aggregate classification (germline): Uncertain significance. Review status: criteria provided, multiple submitters, no conflicts (2 of 4 stars). 2 submissions from 2 submitters: Uncertain significance (2). Last evaluated 2026-01-05.

Conditions:
Cardiovascular phenotype. Identifiers: MedGen CN230736.
Long QT syndrome (LQTS). Identifiers: MedGen C0023976, MeSH D008133, MONDO:0002442. Disease mechanism: loss of function. Inheritance: Various modes of inheritance.

gnomAD v4.1: 8 of 1,614,094 alleles (0.0005%); highest among the groups gnomAD compares: African/African-American, 0.004%; no homozygotes.

Submissions (2):

Labcorp Genetics (formerly Invitae), Labcorp
Classification: Uncertain significance for Long QT syndrome. Last evaluated: 2026-01-05. Review status: criteria provided, single submitter. Criteria: Invitae Variant Classification Sherloc (09022015). Collection method: clinical testing. Allele origin: germline.
Comment: This sequence change replaces glycine, which is neutral and non-polar, with glutamic acid, which is acidic and polar, at codon 3744 of the AKAP9 protein (p.Gly3744Glu). This variant is present in population databases (rs148318643, gnomAD 0.004%). This variant has not been reported in the literature in individuals affected with AKAP9-related conditions. ClinVar contains an entry for this variant (Variation ID: 2449744). An algorithm developed to predict the effect of missense changes on protein structure and function (PolyPhen-2) suggests that this variant is likely to be disruptive. In summary, the available evidence is currently insufficient to determine the role of this variant in disease. Therefore, it has been classified as a Variant of Uncertain Significance.

Ambry Genetics
Classification: Uncertain significance for Cardiovascular phenotype. Last evaluated: 2022-12-15. Review status: criteria provided, single submitter. Criteria: Ambry Variant Classification Scheme 2023. Collection method: clinical testing. Allele origin: germline.
Comment: The p.G3744E variant (also known as c.11231G>A), located in coding exon 46 of the AKAP9 gene, results from a G to A substitution at nucleotide position 11231. The glycine at codon 3744 is replaced by glutamic acid, an amino acid with similar properties. This amino acid position is well conserved in available vertebrate species. In addition, the in silico prediction for this alteration is inconclusive. The evidence for this gene-disease relationship is limited; therefore, the clinical significance of this alteration is unclear.